The following is an entry in ClinVar:

NM_001303256.3(MORC2):c.717G>A (p.Ser239=)

Gene: MORC2 (MORC family CW-type zinc finger 2; minus strand). Cytogenetic location: 22q12.2.
Variant type: single nucleotide variant.
Coding change: c.717G>A on transcript NM_001303256.3 (MANE Select); coding-DNA position 717, G replaced by A.
Protein change: p.Ser239=; no amino-acid change (serine 239 retained).
Molecular consequence: synonymous variant.
Genome position (GRCh38, 1-based): chr22:30,941,540, C>T on the plus strand (G>A on the coding strand, the complement: MORC2 is on the minus strand). VCF-style: chr22-30941540-C-T. GRCh37 (hg19) VCF-style: chr22-31337527-C-T.
Other names: c.717G>A, p.Ser239= (NM_001303257.2); c.531G>A, p.Ser177= (NM_014941.3).
Identifiers: ClinVar variation 1096988 (VCV001096988.17), dbSNP rs375469737, ClinGen allele CA10187177.

ClinVar aggregate classification (germline): Likely benign. Review status: criteria provided, multiple submitters, no conflicts (2 of 4 stars). 2 submissions from 2 submitters: Likely benign (2). Last evaluated 2025-09-02.

Conditions:
Charcot-Marie-Tooth disease axonal type 2Z. Also called: CHARCOT-MARIE-TOOTH DISEASE, AXONAL, AUTOSOMAL DOMINANT, TYPE 2Z; CHARCOT-MARIE-TOOTH NEUROPATHY, TYPE 2Z. Identifiers: Orphanet 466768, MedGen C5569025, MONDO:0014736, OMIM 616688.

Allele frequency attached by ClinVar (database versions not stated): gnomAD exomes 0.00004 and 0.00009; ESP Exome Variant Server 0.00008; ExAC 0.00013; 1000 Genomes Project 30x 0.00016; 1000 Genomes Project 0.00020.
gnomAD v4.1: 60 of 1,613,586 alleles (0.0037%); highest among the groups gnomAD compares: South Asian, 0.022%; no homozygotes.

Submissions (2):

Labcorp Genetics (formerly Invitae), Labcorp
Classification: Likely benign for Charcot-Marie-Tooth disease axonal type 2Z. Last evaluated: 2025-09-02. Review status: criteria provided, single submitter. Criteria: Invitae Variant Classification Sherloc (09022015). Collection method: clinical testing. Allele origin: germline.

CeGaT Center for Human Genetics Tuebingen
Classification: Likely benign. Last evaluated: 2025-08-01. Review status: criteria provided, single submitter. Criteria: CeGaT Center For Human Genetics Tuebingen Variant Classification Criteria Version 2. Collection method: clinical testing. Allele origin: germline. Affected: yes. Observed: 1 variant allele.
Comment: MORC2: BP4, BP7